The following is an entry in ClinVar:

NM_002907.4(RECQL):c.1593TGT[1] (p.Val533del)

Gene: RECQL (RecQ like helicase; minus strand). Cytogenetic location: 12p12.1.
Variant type: Microsatellite.
Coding change: c.1593TGT[1] on transcript NM_002907.4 (MANE Select); one copy of the 3-base unit TGT starting at c.1593; the reference has two copies in a row; one copy, 3 bases deleted.
Protein change: p.Val533del; deletes valine 533.
Molecular consequence: inframe deletion.
Genome position (GRCh38, 1-based): chr12:21,471,497-21,471,499, ACA deleted on the plus strand (TGT on the coding strand, the reverse complement: RECQL is on the minus strand); deleting any 3 consecutive bases within chr12:21,471,497-21,471,502 gives the same sequence; the position shown is the placement nearest the transcript's 3' end. VCF-style (leftmost placement, unchanged base first): chr12-21471496-CACA-C. GRCh37 (hg19) VCF-style: chr12-21624430-CACA-C.
Other names: c.1593TGT[1], p.Val533del (NM_032941.3); short protein forms V533del.
Identifiers: ClinVar variation 3787901 (VCV003787901.1).

ClinVar aggregate classification (germline): Uncertain significance (1 of 4 stars; one submission).

Submission:

Ambry Genetics
Classification: Uncertain significance. Last evaluated: 2024-12-16. Review status: criteria provided, single submitter. Criteria: Ambry Variant Classification Scheme 2023. Collection method: clinical testing. Allele origin: germline.
Comment: The c.1596_1598delTGT variant (also known as p.V533del) is located in coding exon 12 of the RECQL gene. This variant results from an in-frame TGT deletion at nucleotide positions 1596 to 1598. This results in the in-frame deletion of a valine at codon 533. This amino acid position is not well conserved in available vertebrate species. In addition, this alteration is predicted to be neutral by in silico analysis (Choi Y et al. PLoS ONE. 2012; 7(10):e46688). The evidence for this gene-disease relationship is limited; therefore, the clinical significance of this alteration is unclear.